The following is an entry in ClinVar:

ClinVar aggregate classification (germline): Benign. Review status: criteria provided, multiple submitters, no conflicts (2 of 4 stars). 3 submissions from 3 submitters: Benign (2). 1 of the submissions does not count toward it. Last evaluated 2018-08-08.

Conditions:
JAG2-related disorder. Also called: JAG2-related condition.

Allele frequency attached by ClinVar (database versions not stated): gnomAD exomes 0.00060 and 0.00231; ESP Exome Variant Server 0.00108; gnomAD 0.00207 and 0.00228; TOPMed 0.00230; ExAC 0.00249; 1000 Genomes Project 0.00659; 1000 Genomes Project 30x 0.00703.
gnomAD v4.1: 1,259 of 1,607,354 alleles (0.078%); highest among the groups gnomAD compares: East Asian, 1.5%; 23 homozygotes.

Submissions (10):

Labcorp Genetics (formerly Invitae), Labcorp
Classification: Benign. Last evaluated: 2018-08-08. Review status: criteria provided, single submitter. Criteria: Invitae Variant Classification Sherloc (09022015). Collection method: clinical testing. Allele origin: germline.

Breakthrough Genomics
Classification: Benign. Review status: criteria provided, single submitter. Criteria: ACMG Guidelines, 2015. Collection method: not provided. Allele origin: germline. Inheritance: Autosomal recessive inheritance. Affected: yes.

PreventionGenetics, part of Exact Sciences
Classification: Benign for JAG2-related condition. Last evaluated: 2024-07-25. Review status: no assertion criteria provided. Collection method: clinical testing. Allele origin: germline. Not counted in ClinVar's aggregate classification.
Comment: This variant is classified as benign based on ACMG/AMP sequence variant interpretation guidelines (Richards et al. 2015 PMID: 25741868, with internal and published modifications).

Dr. Peter K. Rogan Lab, Western University
No classification provided (evidence only). Condition: Familial cancer of breast. Review status: no classification provided. Collection method: in vitro. Allele origin: not applicable. Functional consequence: retained intron. Not counted in ClinVar's aggregate classification.

Dr. Peter K. Rogan Lab, Western University
No classification provided (evidence only). Condition: Cervical cancer. Review status: no classification provided. Collection method: in vitro. Allele origin: not applicable. Functional consequence: retained intron. Not counted in ClinVar's aggregate classification.

Dr. Peter K. Rogan Lab, Western University
No classification provided (evidence only). Condition: Cervical cancer. Review status: no classification provided. Collection method: in vitro. Allele origin: not applicable. Functional consequence: retained intron. Not counted in ClinVar's aggregate classification.

Dr. Peter K. Rogan Lab, Western University
No classification provided (evidence only). Condition: Hepatocellular carcinoma. Review status: no classification provided. Collection method: in vitro. Allele origin: not applicable. Functional consequence: retained intron. Not counted in ClinVar's aggregate classification.

Dr. Peter K. Rogan Lab, Western University
No classification provided (evidence only). Condition: Hepatocellular carcinoma. Review status: no classification provided. Collection method: in vitro. Allele origin: not applicable. Functional consequence: retained intron. Not counted in ClinVar's aggregate classification.

Dr. Peter K. Rogan Lab, Western University
No classification provided (evidence only). Condition: Malignant tumor of esophagus. Review status: no classification provided. Collection method: in vitro. Allele origin: not applicable. Functional consequence: retained intron. Not counted in ClinVar's aggregate classification.

Dr. Peter K. Rogan Lab, Western University
No classification provided (evidence only). Condition: Malignant tumor of esophagus. Review status: no classification provided. Collection method: in vitro. Allele origin: not applicable. Functional consequence: retained intron. Not counted in ClinVar's aggregate classification.

NM_002226.5(JAG2):c.3132C>T (p.Gly1044=)

Gene: JAG2 (jagged canonical Notch ligand 2; minus strand). Cytogenetic location: 14q32.33.
Variant type: single nucleotide variant.
Coding change: c.3132C>T on transcript NM_002226.5 (MANE Select); coding-DNA position 3132, C replaced by T.
Protein change: p.Gly1044=; no amino-acid change (glycine 1044 retained).
Molecular consequence: synonymous variant.
Genome position (GRCh38, 1-based): chr14:105,143,591, G>A on the plus strand (C>T on the coding strand, the complement: JAG2 is on the minus strand). VCF-style: chr14-105143591-G-A. GRCh37 (hg19) VCF-style: chr14-105609928-G-A.
Other names: NC_000014.8:g.105609928G>A; c.3018C>T, p.Gly1006= (NM_145159.3).
Identifiers: ClinVar variation 713285 (VCV000713285.7), dbSNP rs117007108, ClinGen allele CA7385309.